The following is an entry in ClinVar:

ClinVar aggregate classification (germline): Uncertain significance. Review status: criteria provided, multiple submitters, no conflicts (2 of 4 stars). 2 submissions from 2 submitters: Uncertain significance (2). Last evaluated 2025-12-24.

Conditions:
MEGF10-related myopathy (CMYO10A). Also called: Congenital myopathy 10A, severe variant. Identifiers: Orphanet 439212, MedGen C3280679, MONDO:0013731, OMIM 614399.

Allele frequency attached by ClinVar (database versions not stated): gnomAD 0.00001 and 0.00002; gnomAD exomes 0.00002 and 0.00003; TOPMed 0.00002; ExAC 0.00003; 1000 Genomes Project 30x 0.00016; 1000 Genomes Project 0.00020.
gnomAD v4.1: 36 of 1,613,958 alleles (0.0022%); highest among the groups gnomAD compares: Admixed American, 0.0083%; no homozygotes.

Submissions (2):

Labcorp Genetics (formerly Invitae), Labcorp
Classification: Uncertain significance for MEGF10-related myopathy. Last evaluated: 2025-12-24. Review status: criteria provided, single submitter. Criteria: Invitae Variant Classification Sherloc (09022015). Collection method: clinical testing. Allele origin: germline.
Comment: This sequence change replaces arginine, which is basic and polar, with histidine, which is basic and polar, at codon 1093 of the MEGF10 protein (p.Arg1093His). This variant is present in population databases (rs187800437, gnomAD 0.005%). This variant has not been reported in the literature in individuals affected with MEGF10-related conditions. ClinVar contains an entry for this variant (Variation ID: 1693390). An algorithm developed to predict the effect of missense changes on protein structure and function outputs the following: PolyPhen-2: "Benign". The histidine amino acid residue is found in multiple mammalian species, which suggests that this missense change does not adversely affect protein function. In summary, the available evidence is currently insufficient to determine the role of this variant in disease. Therefore, it has been classified as a Variant of Uncertain Significance.

GeneDx
Classification: Uncertain significance. Last evaluated: 2021-12-28. Review status: criteria provided, single submitter. Criteria: GeneDx Variant Classification Process June 2021. Collection method: clinical testing. Allele origin: germline. Affected: yes.
Comment: Not observed at significant frequency in large population cohorts (gnomAD); In silico analysis supports that this missense variant does not alter protein structure/function; Has not been previously published as pathogenic or benign to our knowledge

NM_001256545.2(MEGF10):c.3278G>A (p.Arg1093His)

Gene: MEGF10 (multiple EGF like domains 10; plus strand). Cytogenetic location: 5q23.2.
Variant type: single nucleotide variant.
Coding change: c.3278G>A on transcript NM_001256545.2 (MANE Select); coding-DNA position 3278, G replaced by A.
Protein change: p.Arg1093His; replaces arginine 1093 with histidine.
Molecular consequence: missense variant.
Genome position (GRCh38, 1-based): chr5:127,457,173, G>A. VCF-style: chr5-127457173-G-A. GRCh37 (hg19) VCF-style: chr5-126792865-G-A.
Other names: c.3278G>A, p.Arg1093His (NM_032446.3); short protein forms R1093H.
Identifiers: ClinVar variation 1693390 (VCV001693390.5), dbSNP rs187800437, ClinGen allele CA3392189.